The following is an entry in ClinVar:

NM_000088.4(COL1A1):c.2644C>T (p.Arg882Ter)

Gene: COL1A1 (collagen type I alpha 1 chain; minus strand). Cytogenetic location: 17q21.33.
Variant type: single nucleotide variant.
Coding change: c.2644C>T on transcript NM_000088.4 (MANE Select); coding-DNA position 2644, C replaced by T.
Protein change: p.Arg882Ter; replaces arginine 882 with a stop codon.
Molecular consequence: nonsense.
Genome position (GRCh38, 1-based): chr17:50,189,702, G>A on the plus strand (C>T on the coding strand, the complement: COL1A1 is on the minus strand). VCF-style: chr17-50189702-G-A. GRCh37 (hg19) VCF-style: chr17-48267063-G-A.
Other names: short protein forms R882*.
Identifiers: ClinVar variation 456753 (VCV000456753.37), dbSNP rs72653147, ClinGen allele CA291543234.

ClinVar aggregate classification (germline): Pathogenic. Review status: criteria provided, multiple submitters, no conflicts (2 of 4 stars). 10 submissions from 10 submitters: Pathogenic (10). Last evaluated 2026-04-07.

Conditions:
COL1A1-related disorder. Also called: COL1A1- related disease; COL1A1-related condition.
Ehlers-Danlos syndrome, arthrochalasia type. Also called: ARTHROCHALASIS MULTIPLEX CONGENITA; EDS VII, MUTANT PROCOLLAGEN TYPE; EDS VIIA; Ehlers-Danlos syndrome, arthrochalasia type, 1; Ehlers-Danlos syndrome, arthrochalasis type. Identifiers: Orphanet 1899, Orphanet 99875, Orphanet 99876, MedGen C4551623, MONDO:0007525, OMIM 130060.
Osteogenesis imperfecta (OI). Identifiers: Orphanet 666, MedGen C0029434, MeSH D010013, MONDO:0019019.
Cardiovascular phenotype. Identifiers: MedGen CN230736.
Osteogenesis imperfecta type I (OI1). Also called: Lobstein disease; OI, TYPE I; OSTEOGENESIS IMPERFECTA TARDA; OSTEOGENESIS IMPERFECTA WITH BLUE SCLERAE; Osteogenesis imperfecta type 1; Classic Non-deforming Osteogenesis Imperfecta with Blue Sclerae. Identifiers: Orphanet 216796, Orphanet 666, MedGen C0023931, MONDO:0008146, OMIM 166200. Disease mechanism: loss of function.

Submissions (11):

Clinical Genetics and Genomics, Karolinska University Hospital
Classification: Pathogenic for Osteogenesis imperfecta type I. Last evaluated: 2026-04-07. Review status: criteria provided, single submitter. Criteria: ACMG Guidelines, 2015. Collection method: clinical testing. Allele origin: unknown. Affected: yes.
Comment: This nonsense variant creates a premature stop signal in the COL1A1 gene. It is expected to lead to a loss of protein function (PMID: 16199547), and loss-of-function variants in COL1A1 are known to be pathogenic (PMID: 7942841, 9295084, 9443882). This variant is not present in population databases (gnomAD no frequency).

Labcorp Genetics (formerly Invitae), Labcorp
Classification: Pathogenic for Osteogenesis imperfecta type I. Last evaluated: 2025-12-10. Review status: criteria provided, single submitter. Criteria: Invitae Variant Classification Sherloc (09022015). Collection method: clinical testing. Allele origin: germline.
Comment: This sequence change creates a premature translational stop signal (p.Arg882*) in the COL1A1 gene. It is expected to result in an absent or disrupted protein product. Loss-of-function variants in COL1A1 are known to be pathogenic (PMID: 7942841, 9295084, 9443882). This variant is not present in population databases (gnomAD no frequency). This premature translational stop signal has been observed in individuals with osteogenesis imperfecta type I (PMID: 15241796, 21667357, 22753364, 26627451, 27044453). ClinVar contains an entry for this variant (Variation ID: 456753). For these reasons, this variant has been classified as Pathogenic.

GeneDx
Classification: Pathogenic. Last evaluated: 2025-07-18. Review status: criteria provided, single submitter. Criteria: GeneDx Variant Classification Process June 2021. Collection method: clinical testing. Allele origin: germline. Affected: yes.
Comment: Nonsense variant predicted to result in protein truncation or nonsense mediated decay in a gene for which loss of function is a known mechanism of disease; Not observed at significant frequency in large population cohorts (gnomAD); This variant is associated with the following publications: (PMID: 37334733, 37270749, 36951356, 26627451, 31414283, 25533962, 21667357, 16786509, 22753364, 30614853, 27044453, 33939306, 33166682, 35476365, 15241796, 38807347)

Dasa
Classification: Pathogenic. Last evaluated: 2025-04-09. Review status: criteria provided, single submitter. Criteria: DASA Assertion Criteria. Collection method: clinical testing. Allele origin: germline.
Comment: NM_000088.4(COL1A1):c.2644C>T (p.Arg882*) introduces a premature termination codon predicted to result in loss of normal protein function. Loss-of-function is an established mechanism of disease for this gene. This variant has been recurrently observed in individuals with related phenotype (PMID: 15241796; PMID: 21667357; PMID: 22753364; PMID: 26627451; PMID: 27044453). The variant is present at low frequency in population datasets. Based on the available data, this variant is classified as pathogenic.

Ambry Genetics
Classification: Pathogenic for Cardiovascular phenotype. Last evaluated: 2024-12-12. Review status: criteria provided, single submitter. Criteria: Ambry Variant Classification Scheme 2023. Collection method: clinical testing. Allele origin: germline.
Comment: The p.R882* pathogenic mutation (also known as c.2644C>T), located in coding exon 38 of the COL1A1 gene, results from a C to T substitution at nucleotide position 2644. This changes the amino acid from an arginine to a stop codon within coding exon 38. This variant was reported in individual(s) with features consistent with COL1A1-related osteogenesis imperfecta/ overlap disorders (Hartikka H et al. Hum Mutat, 2004 Aug;24:147-54; Fuccio A et al. J Mol Diagn, 2011 Nov;13:648-56; Zhang ZL et al. J Bone Miner Metab, 2012 Jan;30:69-77; Lin HY et al. Orphanet J Rare Dis, 2015 Dec;10:152; Ju M et al. J Bone Miner Metab, 2020 Mar;38:188-197; Redman MG et al. Eur J Med Genet, 2020 Dec;63:104095; Higuchi Y et al. Mol Genet Genomic Med, 2021 Jun;9:e1675). This variant is considered to be rare based on population cohorts in the Genome Aggregation Database (gnomAD). In addition to the clinical data presented in the literature, this alteration is expected to result in loss of function by premature protein truncation or nonsense-mediated mRNA decay. As such, this alteration is interpreted as a disease-causing mutation.

Revvity Omics, Revvity
Classification: Pathogenic. Last evaluated: 2024-03-13. Review status: criteria provided, single submitter. Criteria: ACMG Guidelines, 2015. Collection method: clinical testing. Allele origin: germline.

Blueprint Genetics
Classification: Pathogenic for COL1A1-related disorders. Last evaluated: 2023-01-25. Review status: criteria provided, single submitter. Criteria: ACMG Guidelines, 2015. Collection method: clinical testing. Allele origin: germline. Affected: yes. Observed: 1 variant allele.

Genome Diagnostics Laboratory, The Hospital for Sick Children
Classification: Pathogenic for Osteogenesis imperfecta. Last evaluated: 2020-01-01. Review status: criteria provided, single submitter. Criteria: ACMG Guidelines, 2015. Collection method: clinical testing. Allele origin: germline.

Clinical Genetics Service, Universitary Hospital 12 de Octubre
Classification: Pathogenic for Osteogenesis imperfecta type I. Review status: criteria provided, single submitter. Criteria: ACMG Guidelines, 2015. Collection method: clinical testing. Allele origin: germline. Affected: yes.

Juno Genomics, Hangzhou Juno Genomics, Inc
Classification: Pathogenic for Osteogenesis imperfecta type I. Review status: criteria provided, single submitter. Criteria: ACMG Guidelines, 2015. Collection method: clinical testing. Allele origin: germline. Affected: yes.
Comment: Absent from controls (or at extremely low frequency if recessive) in Genome Aggregation Database.;Null variant in a gene where loss of function (LOF) is a known mechanism of disease.;The prevalence of the variant in affected individuals is significantly increased compared to the prevalence in controls.;Patient's phenotype or family history is highly specific for a disease with a single genetic etiology.

Human Development and Health, University of Southampton
No classification provided (evidence only). Review status: no classification provided. Collection method: in vitro. Allele origin: not applicable. Functional consequence: functionally_normal. Not counted in ClinVar's aggregate classification.
ClinVar note: "not provided" was previously submitted as the classification for the variant. However, the classification appeared to be based only on an observation of functional data so it was converted to no classification on 2025-07-30.

Literature cited by the submitters: PubMed 7942841 (cited by Labcorp Genetics (formerly Invitae), Labcorp); PubMed 9295084 (cited by Labcorp Genetics (formerly Invitae), Labcorp); PubMed 9443882 (cited by Labcorp Genetics (formerly Invitae), Labcorp); PubMed 15241796 (cited by 3 submitters); PubMed 21667357 (cited by 3 submitters); PubMed 22753364 (cited by Labcorp Genetics (formerly Invitae), Labcorp and Dasa); PubMed 26627451 (cited by 3 submitters); PubMed 27044453 (cited by Labcorp Genetics (formerly Invitae), Labcorp and Dasa); PubMed 21884818 (cited by Ambry Genetics); PubMed 31414283 (cited by Ambry Genetics); PubMed 33166682 (cited by Ambry Genetics); PubMed 33939306 (cited by Ambry Genetics).